The following is an entry in ClinVar:

NM_014484.5(MOCS3):c.925CTG[1] (p.Leu310del)

Gene: MOCS3 (molybdenum cofactor synthesis 3; plus strand). Cytogenetic location: 20q13.13.
Variant type: Microsatellite.
Coding change: c.925CTG[1] on transcript NM_014484.5 (MANE Select); one copy of the 3-base unit CTG starting at c.925; the reference has two copies in a row; one copy, 3 bases deleted.
Protein change: p.Leu310del; deletes leucine 310.
Molecular consequence: inframe deletion.
Genome position (GRCh38, 1-based): chr20:50,959,770-50,959,772, CTG deleted; deleting any 3 consecutive bases within chr20:50,959,767-50,959,772 gives the same sequence; the position shown is the placement nearest the transcript's 3' end. VCF-style (leftmost placement, unchanged base first): chr20-50959766-TCTG-T. GRCh37 (hg19) VCF-style: chr20-49576303-TCTG-T.
Other names: short protein forms L310del.
Identifiers: ClinVar variation 4700790 (VCV004700790.1).

ClinVar aggregate classification (germline): Uncertain significance (1 of 4 stars; one submission).

Submission:

Labcorp Genetics (formerly Invitae), Labcorp
Classification: Uncertain significance. Last evaluated: 2025-06-27. Review status: criteria provided, single submitter. Criteria: Invitae Variant Classification Sherloc (09022015). Collection method: clinical testing. Allele origin: germline.
Comment: This variant, c.928_930del, results in the deletion of 1 amino acid(s) of the MOCS3 protein (p.Leu310del), but otherwise preserves the integrity of the reading frame. This variant is not present in population databases (gnomAD no frequency). This variant has not been reported in the literature in individuals affected with MOCS3-related conditions. Experimental studies and prediction algorithms are not available or were not evaluated, and the functional significance of this variant is currently unknown. In summary, the available evidence is currently insufficient to determine the role of this variant in disease. Therefore, it has been classified as a Variant of Uncertain Significance.